The following is an entry in ClinVar:

ClinVar aggregate classification (germline): Uncertain significance (1 of 4 stars; one submission).

Allele frequency attached by ClinVar (database versions not stated): gnomAD 0.00001; gnomAD exomes 0.00001.
gnomAD v4.1: 27 of 1,610,916 alleles (0.0017%); highest among the groups gnomAD compares: Non-Finnish European, 0.0022%; no homozygotes.

Submission:

Labcorp Genetics (formerly Invitae), Labcorp
Classification: Uncertain significance. Last evaluated: 2021-10-10. Review status: criteria provided, single submitter. Criteria: Invitae Variant Classification Sherloc (09022015). Collection method: clinical testing. Allele origin: germline.
Comment: This sequence change replaces aspartic acid with glutamic acid at codon 430 of the CDH23 protein (p.Asp430Glu). The aspartic acid residue is highly conserved and there is a small physicochemical difference between aspartic acid and glutamic acid. This variant is not present in population databases (ExAC no frequency). This variant has not been reported in the literature in individuals affected with CDH23-related conditions. Algorithms developed to predict the effect of missense changes on protein structure and function are either unavailable or do not agree on the potential impact of this missense change (SIFT: "Deleterious"; PolyPhen-2: "Not Available"; Align-GVGD: "Class C0"). Algorithms developed to predict the effect of sequence changes on RNA splicing suggest that this variant may create or strengthen a splice site. In summary, the available evidence is currently insufficient to determine the role of this variant in disease. Therefore, it has been classified as a Variant of Uncertain Significance.

NM_022124.6(CDH23):c.1290T>G (p.Asp430Glu)

Gene: CDH23 (cadherin related 23; plus strand). Cytogenetic location: 10q22.1.
Variant type: single nucleotide variant.
Coding change: c.1290T>G on transcript NM_022124.6 (MANE Select); coding-DNA position 1290, T replaced by G.
Protein change: p.Asp430Glu; replaces aspartic acid 430 with glutamic acid.
Molecular consequence: missense variant.
Genome position (GRCh38, 1-based): chr10:71,645,980, T>G. VCF-style: chr10-71645980-T-G. GRCh37 (hg19) VCF-style: chr10-73405737-T-G.
Other names: c.1290T>G, p.Asp430Glu (NM_001171930.2, NM_001171931.2, NM_052836.4); short protein forms D430E.
Identifiers: ClinVar variation 1476727 (VCV001476727.3), dbSNP rs1206705356, ClinGen allele CA377127885.